The following is an entry in ClinVar:

ClinVar aggregate classification (germline): Uncertain significance (1 of 4 stars; one submission).

Conditions:
AFF4-related disorder. Also called: AFF4-related condition.

Allele frequency attached by ClinVar (database versions not stated): gnomAD exomes below 0.00001; ExAC 0.00001.
gnomAD v4.1: 6 of 1,614,200 alleles (0.00037%); highest among the groups gnomAD compares: South Asian, 0.0022%; no homozygotes.

Submission:

PreventionGenetics, part of Exact Sciences
Classification: Uncertain significance for AFF4-related condition. Last evaluated: 2023-05-04. Review status: criteria provided, single submitter. Criteria: ACMG Guidelines, 2015. Collection method: clinical testing. Allele origin: germline.
Comment: The AFF4 c.1651G>A variant is predicted to result in the amino acid substitution p.Ala551Thr. To our knowledge, this variant has not been reported in the literature. This variant is reported in 0.0065% of alleles in individuals of South Asian descent in gnomAD. At this time, the clinical significance of this variant is uncertain due to the absence of conclusive functional and genetic evidence.

NM_014423.4(AFF4):c.1651G>A (p.Ala551Thr)

Gene: AFF4 (ALF transcription elongation factor 4; minus strand). Cytogenetic location: 5q31.1.
Variant type: single nucleotide variant.
Coding change: c.1651G>A on transcript NM_014423.4 (MANE Select); coding-DNA position 1651, G replaced by A.
Protein change: p.Ala551Thr; replaces alanine 551 with threonine.
Molecular consequence: missense variant.
Genome position (GRCh38, 1-based): chr5:132,896,979, C>T on the plus strand (G>A on the coding strand, the complement: AFF4 is on the minus strand). VCF-style: chr5-132896979-C-T. GRCh37 (hg19) VCF-style: chr5-132232671-C-T.
Other names: short protein forms A551T.
Identifiers: ClinVar variation 2632903 (VCV002632903.1), dbSNP rs772122883, ClinGen allele CA3409055.
Genomic context (GRCh38, chr5:132,896,979, plus strand): 5'-CAGCCTTTTTGGGTTGTTTTTTGCCTACAGTTCTTCTCTGTGTTGTGCTGTCACTCTGTG[C>T]AGGAGATTTCTGCCTCCCACGCCCACTTTCTGATCCCTTTTGGATGGTTTTGGAGTCTCG-3'
Protein context (NP_055238.1, residues 541-561): ESGRGRQKSP[Ala551Thr]QSDSTTQRRT